The following is an entry in ClinVar:

ClinVar aggregate classification (germline): Conflicting classifications of pathogenicity. Review status: criteria provided, conflicting classifications (1 of 4 stars). 15 submissions from 15 submitters: Uncertain significance (1); Benign (6); Likely benign (6). 2 of the submissions do not count toward it. Last evaluated 2026-08-01.

Conditions:
Classic or attenuated familial adenomatous polyposis. Identifiers: MedGen CN372698, MONDO:0021057.
APC-Associated Polyposis Disorders.
Hereditary cancer-predisposing syndrome. Also called: Neoplastic Syndromes, Hereditary; Tumor predisposition; Hereditary neoplastic syndrome; Hereditary Cancer Syndrome. Identifiers: Orphanet 140162, MedGen C0027672, MeSH D009386, MONDO:0015356.
Familial adenomatous polyposis 1 (FAP1). Also called: POLYPOSIS, ADENOMATOUS INTESTINAL; FAMILIAL ADENOMATOUS POLYPOSIS 1, ATTENUATED. Identifiers: MedGen C2713442, MONDO:0021056, OMIM 175100. Disease mechanism: loss of function.
Carcinoma of colon (CRC). Also called: Colonic carcinoma; Colon carcinoma. Identifiers: MedGen C0699790, MONDO:0002032.

Allele frequency attached by ClinVar (database versions not stated): ESP Exome Variant Server 0.00015; TOPMed 0.00016; ExAC 0.00026.
gnomAD v4.1: 261 of 1,612,850 alleles (0.016%); highest among the groups gnomAD compares: Non-Finnish European, 0.0031%; 1 homozygote.

Submissions (15):

CeGaT Center for Human Genetics Tuebingen
Classification: Likely benign. Last evaluated: 2026-08-01. Review status: criteria provided, single submitter. Criteria: CeGaT Center For Human Genetics Tuebingen Variant Classification Criteria Version 2. Collection method: clinical testing. Allele origin: germline. Affected: yes. Observed: 10 variant alleles.
Comment: APC: BP4, BP7

Labcorp Genetics (formerly Invitae), Labcorp
Classification: Benign for Familial adenomatous polyposis 1. Last evaluated: 2026-02-03. Review status: criteria provided, single submitter. Criteria: Invitae Variant Classification Sherloc (09022015). Collection method: clinical testing. Allele origin: germline.

Blueprint Genetics
Classification: Likely benign. Last evaluated: 2024-11-18. Review status: criteria provided, single submitter. Criteria: ACMG Guidelines, 2015. Collection method: clinical testing. Allele origin: germline.

Myriad Genetics, Inc.
Classification: Benign for Familial adenomatous polyposis 1. Last evaluated: 2024-02-27. Review status: criteria provided, single submitter. Criteria: Myriad Autosomal Dominant, Autosomal Recessive and X-Linked Classification Criteria (2023). Collection method: clinical testing. Allele origin: unknown.
Comment: This variant is considered benign. This variant is a silent/synonymous amino acid change and it is not expected to impact splicing.

All of Us Research Program, National Institutes of Health
Classification: Likely benign for Classic or attenuated familial adenomatous polyposis. Last evaluated: 2023-12-18. Review status: criteria provided, single submitter. Criteria: ACMG Guidelines, 2015. Collection method: clinical testing. Allele origin: germline. Inheritance: Autosomal dominant inheritance. Observed: 73 variant alleles, 73 heterozygotes.
Comment: This study involves interpretation of variants in research participants for the purpose of population health screening. Participant phenotype was not available at the time of variant classification. Additional details can be found in publication PMID: 35346344, PMCID: PMC8962531

Institute for Biomarker Research, Medical Diagnostic Laboratories, L.L.C.
Classification: Likely benign for Hereditary cancer-predisposing syndrome. Last evaluated: 2022-12-23. Review status: criteria provided, single submitter. Criteria: ACMG Guidelines, 2015. Collection method: clinical testing. Allele origin: germline.

Quest Diagnostics Nichols Institute San Juan Capistrano
Classification: Benign. Last evaluated: 2022-11-17. Review status: criteria provided, single submitter. Criteria: Quest Diagnostics criteria. Collection method: clinical testing. Allele origin: unknown.

Sema4
Classification: Benign for Hereditary cancer-predisposing syndrome. Last evaluated: 2020-07-02. Review status: criteria provided, single submitter. Criteria: Sema4 Curation Guidelines. Collection method: curation. Allele origin: germline.

Women's Health and Genetics/Laboratory Corporation of America, LabCorp
Classification: Benign. Last evaluated: 2018-04-16. Review status: criteria provided, single submitter. Criteria: LabCorp Variant Classification Summary - May 2015. Collection method: clinical testing. Allele origin: germline.
Comment: Variant summary: APC c.777G>T alters a conserved nucleotide resulting in a synonymous change. 5/5 computational tools predict no significant impact on normal splicing. However, these predictions have yet to be confirmed by functional studies. The observed variant frequency within Ashkenazi Jewish control individuals in the gnomAD database is approximately 77 fold of the estimated maximal expected allele frequency for a pathogenic variant in APC causing Familial Adenomatous Polyposis phenotype (7.1e-05), strongly suggesting that the variant is a benign polymorphism found primarily in populations of Ashkenazi Jewish origin. The variant, c.777G>T, has been reported in the literature in one individual affected with Familial Adenomatous Polyposis (Kerr 2013). This report does not provide unequivocal conclusions about association of the variant with Familial Adenomatous Polyposis. To our knowledge, no experimental evidence demonstrating an impact on protein function has been reported. Three clinical diagnostic laboratories have submitted clinical-significance assessments for this variant to ClinVar after 2014 without evidence for independent evaluation. All laboratories classified the variant as benign/likely benign. Based on the evidence outlined above, the variant was classified as benign.

Illumina Laboratory Services, Illumina
Classification: Uncertain significance for APC-Associated Polyposis Disorders. Last evaluated: 2017-05-19. Review status: criteria provided, single submitter. Criteria: ICSL Variant Classification Criteria 13 December 2019. Collection method: clinical testing. Allele origin: germline.

Color Diagnostics, LLC DBA Color Health
Classification: Likely benign for Hereditary cancer-predisposing syndrome. Last evaluated: 2016-06-13. Review status: criteria provided, single submitter. Criteria: ACMG Guidelines, 2015. Collection method: clinical testing. Allele origin: germline.

Ambry Genetics
Classification: Likely benign for Hereditary cancer-predisposing syndrome. Last evaluated: 2014-09-25. Review status: criteria provided, single submitter. Criteria: Ambry Variant Classification Scheme 2023. Collection method: clinical testing. Allele origin: germline.

GeneDx
Classification: Benign. Last evaluated: 2014-02-20. Review status: criteria provided, single submitter. Criteria: GeneDx Variant Classification (06012015). Collection method: clinical testing. Allele origin: germline. Affected: yes.
Comment: This variant is considered likely benign or benign based on one or more of the following criteria: it is a conservative change, it occurs at a poorly conserved position in the protein, it is predicted to be benign by multiple in silico algorithms, and/or has population frequency not consistent with disease.

Department of Pathology and Laboratory Medicine, Sinai Health System
Classification: Likely benign for Carcinoma of colon. Review status: no assertion criteria provided. Collection method: clinical testing. Allele origin: unknown. Affected: yes. Observed: 2 variant alleles. Study: The Canadian Open Genetics Repository (COGR). Not counted in ClinVar's aggregate classification.
Comment: The APC p.Arg259= variant was identified in 1 of 3182 proband chromosomes (frequency: 0.0003) from individuals or families with FAP (Kerr 2013). The variant was also identified in dbSNP (ID: rs147704593) as With other allele, ClinVar (classified as benign by Invitae, GeneDx; classified as likely benign by Ambry Genetics, Color Genomics and two clinical laboratories), GeneInsight-COGR, and LOVD 3.0 databases. The variant was not identified in UMD-LSDB database or Zhejiang Colon Cancer Database. The variant was identified in control databases in 65 of 245844 chromosomes at a frequency of 0.0003 increasing the likelihood this could be a low frequency benign variant (Genome Aggregation Database Feb 27, 2017). Breakdown of the observations by population include Other in 4 of 5476 chromosomes (freq: 0.000731), Latino in 1 of 33516 chromosomes (freq: 0.00003), European Non-Finnish in 6 of 111470 chromosomes (freq: 0.000054), Ashkenazi Jewish in 54 of 9836 chromosomes (freq: 0.00549), while the variant was not observed in the African, East Asian, European Finnish, and South Asian populations. The p.Arg259= variant is not expected to have clinical significance because it does not result in a change of amino acid and is not located in a known consensus splice site. In addition, in silico or computational prediction software programs (SpliceSiteFinder, MaxEntScan, NNSPLICE, GeneSplicer, HumanSpliceFinder) do not predict a difference in splicing. In summary, based on the above information, the clinical significance of this variant cannot be determined with certainty at this time although we would lean towards a more benign role for this variant. This variant is classified as likely benign.

Mayo Clinic Laboratories, Mayo Clinic
Classification: Likely benign. Review status: no assertion criteria provided. Collection method: clinical testing. Allele origin: unknown. Not counted in ClinVar's aggregate classification.

Literature cited by the submitters: PubMed 23159591 (cited by Quest Diagnostics Nichols Institute San Juan Capistrano and Women's Health and Genetics/Laboratory Corporation of America, LabCorp).

NM_000038.6(APC):c.777G>T (p.Arg259=)

Gene: APC (APC regulator of Wnt signaling pathway; plus strand). Cytogenetic location: 5q22.2.
Variant type: single nucleotide variant.
Coding change: c.777G>T on transcript NM_000038.6 (MANE Select); coding-DNA position 777, G replaced by T.
Protein change: p.Arg259=; no amino-acid change (arginine 259 retained).
Molecular consequence: synonymous variant. On other transcripts: 5 prime UTR variant (1).
Genome position (GRCh38, 1-based): chr5:112,801,326, G>T. VCF-style: chr5-112801326-G-T. GRCh37 (hg19) VCF-style: chr5-112137023-G-T.
Other names: p.R259R:CGG>CGT; c.777G>T (LRG_130t1); c.777G>T, p.Arg259= (NM_001127510.3, NM_001354895.2, NM_001354896.2 and 1 more transcripts); c.723G>T, p.Arg241= (NM_001127511.3); c.807G>T, p.Arg269= (NM_001354897.2, NM_001354902.2); c.702G>T, p.Arg234= (NM_001354898.2, NM_001354904.2); c.693G>T, p.Arg231= (NM_001354899.2); c.600G>T, p.Arg200= (NM_001354900.2, NM_001354901.2, NM_001354905.2); and 1 more.
Identifiers: ClinVar variation 135720 (VCV000135720.69), dbSNP rs147704593, ClinGen allele CA014042.